The following is an entry in ClinVar:

ClinVar aggregate classification (germline): Benign/Likely benign. Review status: criteria provided, multiple submitters, no conflicts (2 of 4 stars). 5 submissions from 5 submitters: Benign (1); Likely benign (4). Last evaluated 2026-05-01.

Allele frequency attached by ClinVar (database versions not stated): gnomAD exomes 0.00037 and 0.00102; ExAC 0.00126; gnomAD 0.00327 and 0.00354; 1000 Genomes Project 0.00339; 1000 Genomes Project 30x 0.00344; ESP Exome Variant Server 0.00418; TOPMed 0.00441.
gnomAD v4.1: 1,079 of 1,611,232 alleles (0.067%); highest among the groups gnomAD compares: African/African-American, 1.2%; 7 homozygotes.

Submissions (5):

CeGaT Center for Human Genetics Tuebingen
Classification: Likely benign. Last evaluated: 2026-05-01. Review status: criteria provided, single submitter. Criteria: CeGaT Center For Human Genetics Tuebingen Variant Classification Criteria Version 2. Collection method: clinical testing. Allele origin: germline. Affected: yes. Observed: 4 variant alleles.
Comment: MYT1L: BP4, BP7, BS1

Blueprint Genetics
Classification: Likely benign. Last evaluated: 2024-10-25. Review status: criteria provided, single submitter. Criteria: ACMG Guidelines, 2015. Collection method: clinical testing. Allele origin: germline.

GeneDx
Classification: Likely benign. Last evaluated: 2021-02-26. Review status: criteria provided, single submitter. Criteria: GeneDx Variant Classification Process June 2021. Collection method: clinical testing. Allele origin: germline. Affected: yes.

Labcorp Genetics (formerly Invitae), Labcorp
Classification: Benign. Last evaluated: 2019-12-31. Review status: criteria provided, single submitter. Criteria: Invitae Variant Classification Sherloc (09022015). Collection method: clinical testing. Allele origin: germline.

Breakthrough Genomics
Classification: Likely benign. Review status: criteria provided, single submitter. Criteria: ACMG Guidelines, 2015. Collection method: not provided. Allele origin: germline. Inheritance: Autosomal dominant inheritance. Affected: yes.

NM_001303052.2(MYT1L):c.1716C>T (p.Ser572=)

Gene: MYT1L (myelin transcription factor 1 like; minus strand). Cytogenetic location: 2p25.3.
Variant type: single nucleotide variant.
Coding change: c.1716C>T on transcript NM_001303052.2 (MANE Select); coding-DNA position 1716, C replaced by T.
Protein change: p.Ser572=; no amino-acid change (serine 572 retained).
Molecular consequence: synonymous variant.
Genome position (GRCh38, 1-based): chr2:1,910,341, G>A on the plus strand (C>T on the coding strand, the complement: MYT1L is on the minus strand). VCF-style: chr2-1910341-G-A. GRCh37 (hg19) VCF-style: chr2-1914113-G-A.
Other names: c.1716C>T, p.Ser572= (NM_001329844.2, NM_001329845.1, NM_001329851.3); c.1710C>T, p.Ser570= (NM_001329846.3, NM_001329847.2, NM_001329848.1 and 3 more transcripts).
Identifiers: ClinVar variation 783324 (VCV000783324.38), dbSNP rs61743488, ClinGen allele CA1514159.